The following is an entry in ClinVar:

ClinVar aggregate classification (germline): Likely benign (1 of 4 stars; one submission).

Conditions:
LRRC45-related disorder. Also called: LRRC45-related condition.

Submission:

PreventionGenetics, part of Exact Sciences
Classification: Likely benign for LRRC45-related condition. Last evaluated: 2026-07-28. Review status: criteria provided, single submitter. Criteria: ACMG Guidelines, 2015. Collection method: clinical testing. Allele origin: germline.
Comment: This variant is classified as likely benign based on ACMG/AMP sequence variant interpretation guidelines (Richards et al. 2015 PMID: 25741868, with internal and published modifications).

NM_144999.4(LRRC45):c.1794G>T (p.Ala598=)

Gene: LRRC45 (leucine rich repeat containing 45; plus strand). Cytogenetic location: 17q25.3.
Variant type: single nucleotide variant.
Coding change: c.1794G>T on transcript NM_144999.4 (MANE Select); coding-DNA position 1794, G replaced by T.
Protein change: p.Ala598=; no amino-acid change (alanine 598 retained).
Molecular consequence: synonymous variant.
Genome position (GRCh38, 1-based): chr17:82,030,444, G>T. VCF-style: chr17-82030444-G-T. GRCh37 (hg19) VCF-style: chr17-79988320-G-T.
Identifiers: ClinVar variation 4991941 (VCV004991941.1).